The following is an entry in ClinVar:

ClinVar aggregate classification (germline): Uncertain significance (1 of 4 stars; one submission).

Conditions:
Fabry disease. Also called: Fabry's disease; Ceramide trihexosidosis; ALPHA-GALACTOSIDASE A DEFICIENCY; ANDERSON-FABRY DISEASE; CERAMIDE TRIHEXOSIDASE DEFICIENCY; GLA DEFICIENCY. Identifiers: Orphanet 324, MedGen C0002986, MONDO:0010526, OMIM 301500, HP:0001071. Disease mechanism: Fabry disease is due to inactivating mutations in the X-linked GLA gene resulting in deficiency of the enzyme Alpha Galactosidase-A., loss of function.

Allele frequency attached by ClinVar (database versions not stated): gnomAD 0.00001; gnomAD exomes 0.00001; ExAC 0.00002; ESP Exome Variant Server 0.00009.
gnomAD v4.1: 3 of 1,209,042 alleles (0.00025%); highest among the groups gnomAD compares: African/African-American, 0.0035%; no homozygotes.

Submission:

Labcorp Genetics (formerly Invitae), Labcorp
Classification: Uncertain significance for Fabry disease. Last evaluated: 2025-06-08. Review status: criteria provided, single submitter. Criteria: Invitae Variant Classification Sherloc (09022015). Collection method: clinical testing. Allele origin: germline.
Comment: This sequence change replaces alanine, which is neutral and non-polar, with threonine, which is neutral and polar, at codon 29 of the GLA protein (p.Ala29Thr). This variant is present in population databases (rs142449183, gnomAD 0.005%). This variant has not been reported in the literature in individuals affected with GLA-related conditions. ClinVar contains an entry for this variant (Variation ID: 660245). Invitae Evidence Modeling of protein sequence and biophysical properties (such as structural, functional, and spatial information, amino acid conservation, physicochemical variation, residue mobility, and thermodynamic stability) indicates that this missense variant is not expected to disrupt GLA protein function with a negative predictive value of 80%. In summary, the available evidence is currently insufficient to determine the role of this variant in disease. Therefore, it has been classified as a Variant of Uncertain Significance.

NM_000169.3(GLA):c.85G>A (p.Ala29Thr)

Genes: GLA (galactosidase alpha; minus strand), RPL36A-HNRNPH2 (RPL36A-HNRNPH2 readthrough; plus strand). Cytogenetic location: Xq22.1.
Variant type: single nucleotide variant.
Coding change: c.85G>A on transcript NM_000169.3 (MANE Select); coding-DNA position 85, G replaced by A.
Protein change: p.Ala29Thr; replaces alanine 29 with threonine.
Molecular consequence: missense variant. On other transcripts: non-coding transcript variant (3), intron variant (2).
Genome position (GRCh38, 1-based): chrX:101,407,819, C>T on the plus strand (G>A on the coding strand, the complement: GLA is on the minus strand). VCF-style: chrX-101407819-C-T. GRCh37 (hg19) VCF-style: chrX-100662807-C-T.
Other names: c.85G>A, p.Ala29Thr (NM_001406747.1, NM_001406748.1, NM_001406749.1); c.301-4117C>T (NM_001199973.2); c.178-4117C>T (NM_001199974.2); short protein forms A29T.
Identifiers: ClinVar variation 660245 (VCV000660245.8), dbSNP rs142449183, ClinGen allele CA032260.